The following is an entry in ClinVar:

ClinVar aggregate classification (germline): Benign. Review status: criteria provided, multiple submitters, no conflicts (2 of 4 stars). 3 submissions from 3 submitters: Benign (2). 1 of the submissions does not count toward it. Last evaluated 2019-12-31.

Conditions:
CELSR1-related disorder. Also called: CELSR1-related condition.

Allele frequency attached by ClinVar (database versions not stated): gnomAD exomes 0.00316 and 0.00788; ExAC 0.00996; gnomAD 0.03038 and 0.03273; 1000 Genomes Project 0.03175; TOPMed 0.03418; 1000 Genomes Project 30x 0.03435; ESP Exome Variant Server 0.03693.

Submissions (3):

Labcorp Genetics (formerly Invitae), Labcorp
Classification: Benign. Last evaluated: 2019-12-31. Review status: criteria provided, single submitter. Criteria: Invitae Variant Classification Sherloc (09022015). Collection method: clinical testing. Allele origin: germline.

Breakthrough Genomics
Classification: Benign. Review status: criteria provided, single submitter. Criteria: ACMG Guidelines, 2015. Collection method: not provided. Allele origin: germline. Inheritance: Autosomal dominant inheritance. Affected: yes.

PreventionGenetics, part of Exact Sciences
Classification: Benign for CELSR1-related condition. Last evaluated: 2019-04-10. Review status: no assertion criteria provided. Collection method: clinical testing. Allele origin: germline. Not counted in ClinVar's aggregate classification.
Comment: This variant is classified as benign based on ACMG/AMP sequence variant interpretation guidelines (Richards et al. 2015 PMID: 25741868, with internal and published modifications).

NM_001378328.1(CELSR1):c.8947C>G (p.Pro2983Ala)

Gene: CELSR1 (cadherin EGF LAG seven-pass G-type receptor 1; minus strand). Cytogenetic location: 22q13.31.
Variant type: single nucleotide variant.
Coding change: c.8947C>G on transcript NM_001378328.1 (MANE Select); coding-DNA position 8947, C replaced by G.
Protein change: p.Pro2983Ala; replaces proline 2983 with alanine.
Molecular consequence: missense variant.
Genome position (GRCh38, 1-based): chr22:46,364,084, G>C on the plus strand (C>G on the coding strand, the complement: CELSR1 is on the minus strand). VCF-style: chr22-46364084-G-C. GRCh37 (hg19) VCF-style: chr22-46759981-G-C.
Other names: c.8947C>G, p.Pro2983Ala (NM_014246.4); short protein forms P2983A.
Identifiers: ClinVar variation 777753 (VCV000777753.7), dbSNP rs61741871, ClinGen allele CA10292569.
Genomic context (GRCh38, chr22:46,364,084, plus strand): 5'-TCCCAGTGCGCACATTCATGGCCACCCCGTTGAGGTGGTCACGCCCCGGCTCCCTCCCAG[G>C]GCTCTTGACTGTGATGGCGCAGTCGGGGCCGCCAGAGCCCAGGGAAGACGTGCGCGAGGA-3'
Protein context (NP_001365257.1, residues 2973-2993): GPDCAITVKS[Pro2983Ala]GREPGRDHLN